The following is an entry in ClinVar:

NM_001005273.3(CHD3):c.*31C>A

Gene: CHD3 (chromodomain helicase DNA binding protein 3; plus strand). Cytogenetic location: 17p13.1.
Variant type: single nucleotide variant.
Coding change: c.*31C>A on transcript NM_001005273.3 (MANE Select); 31 bases downstream of the stop codon, C replaced by A.
Molecular consequence: 3 prime UTR variant.
Genome position (GRCh38, 1-based): chr17:7,911,616, C>A. VCF-style: chr17-7911616-C-A. GRCh37 (hg19) VCF-style: chr17-7814934-C-A.
Other names: c.*31C>A (NM_001005271.3, NM_005852.4).
Identifiers: ClinVar variation 3067225 (VCV003067225.21), dbSNP rs201176893, ClinGen allele CA8363849.
Genomic context (GRCh38, chr17:7,911,616, plus strand): 5'-GCCGGGGAGGTGATCTGTATAGACGACTGACTGGATCCCAGGCCTGCCCTTCACCCAGGC[C>A]CCGTCCCCGAGGCCGACCCCCAGCTCAAGCGCTGGGGCCTGCTGCCAGCCCTCCACCTTC-3'

ClinVar aggregate classification (germline): Likely benign (1 of 4 stars; one submission).

Allele frequency attached by ClinVar (database versions not stated): ExAC 0.00084; TOPMed 0.00099; 1000 Genomes Project 0.00100; gnomAD 0.00127; ESP Exome Variant Server 0.00131; gnomAD exomes 0.00186; 1000 Genomes Project 30x 0.00078.
gnomAD v4.1: 2,851 of 1,613,394 alleles (0.18%); highest among the groups gnomAD compares: Non-Finnish European, 0.23%; 3 homozygotes.

Submission:

CeGaT Center for Human Genetics Tuebingen
Classification: Likely benign. Last evaluated: 2026-09-01. Review status: criteria provided, single submitter. Criteria: CeGaT Center For Human Genetics Tuebingen Variant Classification Criteria Version 2. Collection method: clinical testing. Allele origin: germline. Affected: yes. Observed: 6 variant alleles.
Comment: CHD3: BP4, BS1